The following is an entry in ClinVar:

ClinVar aggregate classification (germline): Pathogenic (1 of 4 stars; one submission).

Submission:

Labcorp Genetics (formerly Invitae), Labcorp
Classification: Pathogenic. Last evaluated: 2025-05-27. Review status: criteria provided, single submitter. Criteria: Invitae Variant Classification Sherloc (09022015). Collection method: clinical testing. Allele origin: germline.
Comment: This sequence change creates a premature translational stop signal (p.Phe87Leufs*6) in the TMPRSS15 gene. It is expected to result in an absent or disrupted protein product. Loss-of-function variants in TMPRSS15 are known to be pathogenic (PMID: 11719902). This variant is not present in population databases (gnomAD no frequency). This variant has not been reported in the literature in individuals affected with TMPRSS15-related conditions. For these reasons, this variant has been classified as Pathogenic.

Literature cited by the submitters: PubMed 11719902.

NM_002772.3(TMPRSS15):c.261del (p.Phe87fs)

Gene: TMPRSS15 (transmembrane serine protease 15; minus strand). Cytogenetic location: 21q21.1.
Variant type: Deletion.
Coding change: c.261del on transcript NM_002772.3 (MANE Select); coding-DNA position 261, one base deleted (T; older notation c.261delT).
Protein change: p.Phe87fs; shifts the reading frame from phenylalanine 87.
Molecular consequence: frameshift variant.
Genome position (GRCh38, 1-based): chr21:18,398,214, A deleted on the plus strand (T on the coding strand, the reverse complement: TMPRSS15 is on the minus strand); the first of 4 consecutive A bases (chr21:18,398,214-18,398,217); deleting any one gives the same sequence. VCF-style (leftmost placement, unchanged base first): chr21-18398213-CA-C. GRCh37 (hg19) VCF-style: chr21-19770530-CA-C.
Other names: c.261del, p.Phe87fs (NM_001428056.1, NM_001428057.1); short protein forms F87fs.
Identifiers: ClinVar variation 4720382 (VCV004720382.1).